The following is an entry in ClinVar:

NM_001737.5(C9):c.362G>C (p.Gly121Ala)

Gene: C9 (complement C9; minus strand). Cytogenetic location: 5p13.1.
Variant type: single nucleotide variant.
Coding change: c.362G>C on transcript NM_001737.5 (MANE Select); coding-DNA position 362, G replaced by C.
Protein change: p.Gly121Ala; replaces glycine 121 with alanine.
Molecular consequence: missense variant.
Genome position (GRCh38, 1-based): chr5:39,341,260, C>G on the plus strand (G>C on the coding strand, the complement: C9 is on the minus strand). VCF-style: chr5-39341260-C-G. GRCh37 (hg19) VCF-style: chr5-39341362-C-G.
Other names: short protein forms G121A.
Identifiers: ClinVar variation 1349534 (VCV001349534.3), dbSNP rs201707650, ClinGen allele CA3247040.

ClinVar aggregate classification (germline): Uncertain significance (1 of 4 stars; one submission).

Allele frequency attached by ClinVar (database versions not stated): ExAC 0.00002; gnomAD 0.00003; gnomAD exomes 0.00004 and 0.00010; TOPMed 0.00005; 1000 Genomes Project 30x 0.00016; 1000 Genomes Project 0.00020.
gnomAD v4.1: 147 of 1,614,170 alleles (0.0091%); highest among the groups gnomAD compares: Non-Finnish European, 0.012%; no homozygotes.

Submission:

Labcorp Genetics (formerly Invitae), Labcorp
Classification: Uncertain significance. Last evaluated: 2021-12-03. Review status: criteria provided, single submitter. Criteria: Invitae Variant Classification Sherloc (09022015). Collection method: clinical testing. Allele origin: germline.
Comment: This sequence change replaces glycine, which is neutral and non-polar, with alanine, which is neutral and non-polar, at codon 121 of the C9 protein (p.Gly121Ala). This variant is present in population databases (rs201707650, gnomAD 0.006%). This variant has not been reported in the literature in individuals affected with C9-related conditions. Algorithms developed to predict the effect of missense changes on protein structure and function are either unavailable or do not agree on the potential impact of this missense change (SIFT: "Not Available"; PolyPhen-2: "Possibly Damaging"; Align-GVGD: "Not Available"). In summary, the available evidence is currently insufficient to determine the role of this variant in disease. Therefore, it has been classified as a Variant of Uncertain Significance.